The following is an entry in ClinVar:

NM_004655.4(AXIN2):c.1988G>T (p.Trp663Leu)

Gene: AXIN2 (axin 2; minus strand). Cytogenetic location: 17q24.1.
Variant type: single nucleotide variant.
Coding change: c.1988G>T on transcript NM_004655.4 (MANE Select); coding-DNA position 1988, G replaced by T.
Protein change: p.Trp663Leu; replaces tryptophan 663 with leucine.
Molecular consequence: missense variant.
Genome position (GRCh38, 1-based): chr17:65,536,473, C>A on the plus strand (G>T on the coding strand, the complement: AXIN2 is on the minus strand). VCF-style: chr17-65536473-C-A. GRCh37 (hg19) VCF-style: chr17-63532591-C-A.
Other names: c.1793G>T, p.Trp598Leu (NM_001363813.1); c.1988G>T (LRG_296t1); short protein forms W663L, W598L.
Identifiers: ClinVar variation 576554 (VCV000576554.14), dbSNP rs761870581, ClinGen allele CA8718442.
Genomic context (GRCh38, chr17:65,536,473, plus strand): 5'-GGGTCCTGGGTGAACAGGTGGGCACGGGGGGTGGTGCGGGGGTGCCCGCTGTTGCCCCCC[C>A]ACAGATGGTGCCGGCTGGCTCGTTCGCCTGGAGACGAGCGGGCAGACTCCAAGGGGTAGG-3'
Protein context (NP_004646.3, residues 653-673): PGERASRHHL[Trp663Leu]GGNSGHPRTT

ClinVar aggregate classification (germline): Uncertain significance. Review status: criteria provided, multiple submitters, no conflicts (2 of 4 stars). 4 submissions from 4 submitters: Uncertain significance (4). Last evaluated 2026-04-15.

Conditions:
Oligodontia-cancer predisposition syndrome. Also called: TOOTH AGENESIS-COLORECTAL CANCER SYNDROME. Identifiers: Orphanet 300576, MedGen C1837750, MONDO:0012075, OMIM 608615. Disease mechanism: loss of function.
Hereditary cancer-predisposing syndrome. Also called: Hereditary neoplastic syndrome; Hereditary Cancer Syndrome; Neoplastic Syndromes, Hereditary; Tumor predisposition. Identifiers: Orphanet 140162, MedGen C0027672, MeSH D009386, MONDO:0015356.

Allele frequency attached by ClinVar (database versions not stated): gnomAD exomes 0.00001; ExAC 0.00002.
gnomAD v4.1: 5 of 1,613,934 alleles (0.00031%); highest among the groups gnomAD compares: African/African-American, 0.0013%; no homozygotes.

Submissions (4):

GeneDx
Classification: Uncertain significance. Last evaluated: 2026-04-15. Review status: criteria provided, single submitter. Criteria: GeneDx Variant Classification Process June 2021. Collection method: clinical testing. Allele origin: germline.
Comment: Not observed at significant frequency in large population cohorts (gnomAD); In silico analysis supports that this missense variant has a deleterious effect on protein structure/function; Has not been previously published as pathogenic or benign to our knowledge; This variant is associated with the following publications: (PMID: 15735151)

Ambry Genetics
Classification: Uncertain significance for Hereditary cancer-predisposing syndrome. Last evaluated: 2025-06-01. Review status: criteria provided, single submitter. Criteria: Ambry Variant Classification Scheme 2023. Collection method: clinical testing. Allele origin: germline.
Comment: The p.W663L variant (also known as c.1988G>T), located in coding exon 7 of the AXIN2 gene, results from a G to T substitution at nucleotide position 1988. The tryptophan at codon 663 is replaced by leucine, an amino acid with similar properties. This amino acid position is conserved. In addition, this alteration is predicted to be tolerated by in silico analysis. Since supporting evidence is limited at this time, the clinical significance of this alteration remains unclear.

Labcorp Genetics (formerly Invitae), Labcorp
Classification: Uncertain significance for Oligodontia-cancer predisposition syndrome. Last evaluated: 2024-11-13. Review status: criteria provided, single submitter. Criteria: Invitae Variant Classification Sherloc (09022015). Collection method: clinical testing. Allele origin: germline.
Comment: This sequence change replaces tryptophan, which is neutral and slightly polar, with leucine, which is neutral and non-polar, at codon 663 of the AXIN2 protein (p.Trp663Leu). This variant is present in population databases (rs761870581, gnomAD 0.007%). This variant has not been reported in the literature in individuals affected with AXIN2-related conditions. ClinVar contains an entry for this variant (Variation ID: 576554). Invitae Evidence Modeling of protein sequence and biophysical properties (such as structural, functional, and spatial information, amino acid conservation, physicochemical variation, residue mobility, and thermodynamic stability) indicates that this missense variant is not expected to disrupt AXIN2 protein function with a negative predictive value of 80%. In summary, the available evidence is currently insufficient to determine the role of this variant in disease. Therefore, it has been classified as a Variant of Uncertain Significance.

Breakthrough Genomics
Classification: Uncertain significance. Review status: criteria provided, single submitter. Criteria: ACMG Guidelines, 2015. Collection method: not provided. Allele origin: germline. Inheritance: Autosomal recessive inheritance. Affected: yes.